The following is an entry in ClinVar:

ClinVar aggregate classification (germline): Pathogenic (1 of 4 stars; one submission).

Submission:

Labcorp Genetics (formerly Invitae), Labcorp
Classification: Pathogenic. Last evaluated: 2022-09-22. Review status: criteria provided, single submitter. Criteria: Invitae Variant Classification Sherloc (09022015). Collection method: clinical testing. Allele origin: germline.
Comment: For these reasons, this variant has been classified as Pathogenic. This variant has not been reported in the literature in individuals affected with MYH3-related conditions. This variant is not present in population databases (gnomAD no frequency). This sequence change creates a premature translational stop signal (p.Val124Serfs*44) in the MYH3 gene. It is expected to result in an absent or disrupted protein product. Loss-of-function variants in MYH3 are known to be pathogenic (PMID: 29805041, 30008475).

Literature cited by the submitters: PubMed 29805041; PubMed 30008475.

NM_002470.4(MYH3):c.370del (p.Val124fs)

Gene: MYH3 (myosin heavy chain 3; minus strand). Cytogenetic location: 17p13.1.
Variant type: Deletion.
Coding change: c.370del on transcript NM_002470.4 (MANE Select); coding-DNA position 370, one base deleted (G; older notation c.370delG).
Protein change: p.Val124fs; shifts the reading frame from valine 124.
Molecular consequence: frameshift variant.
Genome position (GRCh38, 1-based): chr17:10,651,647, C deleted on the plus strand (G on the coding strand, the reverse complement: MYH3 is on the minus strand). VCF-style (leftmost placement, unchanged base first): chr17-10651646-AC-A. GRCh37 (hg19) VCF-style: chr17-10554963-AC-A.
Other names: short protein forms V124fs.
Identifiers: ClinVar variation 2031964 (VCV002031964.4), dbSNP rs2508643762, ClinGen allele CA2580092507.